The following is an entry in ClinVar:

ClinVar aggregate classification (germline): Conflicting classifications of pathogenicity. Review status: criteria provided, conflicting classifications (1 of 4 stars). 15 submissions from 15 submitters: Uncertain significance (13); Likely benign (1). 1 of the submissions does not count toward it. Last evaluated 2026-04-15.

Conditions:
MUTYH-related disorder. Also called: MUTYH-related disorders; MUTYH-related condition.
Familial adenomatous polyposis 2. Also called: COLORECTAL ADENOMATOUS POLYPOSIS, AUTOSOMAL RECESSIVE; ADENOMAS, MULTIPLE COLORECTAL, AUTOSOMAL RECESSIVE; MUTYH Polyposis; MYH-associated polyposis; FAP type 2; Adenomas, multiple colorectal. Identifiers: Orphanet 220460, Orphanet 247798, MedGen C3272841, MONDO:0012041, OMIM 608456.
Gastric cancer. Also called: Malignant tumor of stomach; Stomach cancer. Identifiers: MedGen C0024623, MeSH D013274, MONDO:0001056, OMIM 613659, HP:0012126.
Hereditary cancer-predisposing syndrome. Also called: Neoplastic Syndromes, Hereditary; Tumor predisposition; Hereditary Cancer Syndrome; Hereditary neoplastic syndrome. Identifiers: Orphanet 140162, MedGen C0027672, MeSH D009386, MONDO:0015356.

Allele frequency attached by ClinVar (database versions not stated): gnomAD exomes 0.00002 and 0.00003; ExAC 0.00003; gnomAD 0.00003; TOPMed 0.00004.
gnomAD v4.1: 33 of 1,613,966 alleles (0.002%); highest among the groups gnomAD compares: Middle Eastern, 0.016%; no homozygotes.

Submissions 1 to 7 of 15:

PreventionGenetics, part of Exact Sciences
Classification: Uncertain significance for MUTYH-related condition. Last evaluated: 2026-04-15. Review status: criteria provided, single submitter. Criteria: ACMG Guidelines, 2015. Collection method: clinical testing. Allele origin: germline.
Comment: The MUTYH c.56G>A variant is predicted to result in the amino acid substitution p.Arg19Gln. This variant has been reported as uncertain in individuals with breast cancer (Out et al. 2012. PubMed ID: 22297469; Supplemental Table 3, Guindalini et al. 2022. PubMed ID: 35264596; Table S4, Bhai et al. 2021. PubMed ID: 34326862) but has also been reported in controls (Supplemental data, Dorling et al. 2021. PubMed ID: 33471991). This variant has also been observed in an individual who underwent clinical testing for Lynch syndrome (Supplemental Table 2, Yurgelun et al. 2015. PubMed ID: 25980754). This variant is reported in 0.0053% of alleles in individuals of European (Non-Finnish) descent in gnomAD and has conflicting interpretations regarding its pathogenicity in ClinVar, ranging from likely benign to uncertain (Variation ID: 127834). At this time, the clinical significance of this variant is uncertain due to the absence of conclusive functional and genetic evidence.

Labcorp Genetics (formerly Invitae), Labcorp
Classification: Uncertain significance for Familial adenomatous polyposis 2. Last evaluated: 2026-01-31. Review status: criteria provided, single submitter. Criteria: Invitae Variant Classification Sherloc (09022015). Collection method: clinical testing. Allele origin: germline.
Comment: This sequence change replaces arginine, which is basic and polar, with glutamine, which is neutral and polar, at codon 19 of the MUTYH protein (p.Arg19Gln). This variant is present in population databases (rs587780081, gnomAD 0.005%). This missense change has been observed in individual(s) with breast cancer, suspected of Lynch syndrome and undergoing MUTYH-associated polyposis testing (PMID: 21777424, 22297469, 25980754, 34326862). ClinVar contains an entry for this variant (Variation ID: 127834). An algorithm developed to predict the effect of missense changes on protein structure and function outputs the following: PolyPhen-2: "Benign". The glutamine amino acid residue is found in multiple mammalian species, which suggests that this missense change does not adversely affect protein function. In summary, the available evidence is currently insufficient to determine the role of this variant in disease. Therefore, it has been classified as a Variant of Uncertain Significance.

Women's Health and Genetics/Laboratory Corporation of America, LabCorp
Classification: Uncertain significance. Last evaluated: 2025-09-15. Review status: criteria provided, single submitter. Criteria: LabCorp Variant Classification Summary - May 2015. Collection method: clinical testing. Allele origin: germline.
Comment: Variant summary: MUTYH c.56G>A (p.Arg19Gln) results in a conservative amino acid change in the encoded protein sequence. Algorithms developed to predict the effect of missense changes on protein structure and function all suggest that this variant is likely to be tolerated. The variant allele was found at a frequency of 2.8e-05 in 251490 control chromosomes (gnomAD). The available data on variant occurrences in the general population are insufficient to allow any conclusion about variant significance. c.56G>A has been observed in at least one individual undergoing clinical genetic testing for Lynch syndrome (Yurgelun_2015) and in individuals with breast cancer or gastric cancer without strong evidence of causality (e.g., Out_2012, Bhai_2021, Guindalini_2022, Calvello_2023). These reports do not provide unequivocal conclusions about association of the variant with MUTYH-Associated Polyposis. To our knowledge, no experimental evidence demonstrating an impact on protein function has been reported. The following publications have been ascertained in the context of this evaluation (PMID: 22297469, 25980754, 34326862, 35264596, 37239438). ClinVar contains an entry for this variant (Variation ID: 127834). Based on the evidence outlined above, the variant was classified as uncertain significance.

Quest Diagnostics Nichols Institute San Juan Capistrano
Classification: Uncertain significance. Last evaluated: 2025-07-30. Review status: criteria provided, single submitter. Criteria: Quest Diagnostics criteria. Collection method: clinical testing. Allele origin: unknown.
Comment: The MUTYH c.56G>A (p.Arg19Gln) variant has been reported in the published literature in individuals with breast cancer (PMIDs: 35264596 (2022), 34326862 (2021), 22297469 (2012)) and individuals undergoing genetic testing for Lynch syndrome (PMID: 25980754 (2015)) and MUTYH-associated polyposis (MAP) (PMID: 21777424 (2011)). In a large scale breast cancer association study, this variant has been observed in breast cancer cases and reportedly unaffected individuals (PMID: 33471991 (2021), see also LOVD). The frequency of this variant in the general population (Genome Aggregation Database) is uninformative in the assessment of its pathogenicity. Analysis of this variant using bioinformatics tools for the prediction of the effect of amino acid changes on protein structure and function yielded predictions that this variant is benign. Based on the available information, we are unable to determine the clinical significance of this variant.

Color Diagnostics, LLC DBA Color Health
Classification: Uncertain significance for Hereditary cancer-predisposing syndrome. Last evaluated: 2025-06-05. Review status: criteria provided, single submitter. Criteria: ACMG Guidelines, 2015. Collection method: clinical testing. Allele origin: germline.
Comment: This missense variant replaces arginine with glutamine at codon 19 of the MUTYH protein. Computational prediction suggests that this variant may not impact protein structure and function. To our knowledge, functional studies have not been reported for this variant. This variant has been reported in two individuals affected with Lynch syndrome associated cancer and/or colorectal polyps (PMID: 25980754, 21777424) and in an individual affected with breast cancer (PMID: 22297469). This variant has been identified in 7/251490 chromosomes in the general population by the Genome Aggregation Database (gnomAD). The available evidence is insufficient to determine the role of this variant in disease conclusively. Therefore, this variant is classified as a Variant of Uncertain Significance.

Center for Genomic Medicine, Rigshospitalet, Copenhagen University Hospital
Classification: Uncertain significance. Last evaluated: 2025-03-04. Review status: criteria provided, single submitter. Criteria: ACMG Guidelines, 2015. Collection method: clinical testing. Allele origin: germline.

Institute for Biomarker Research, Medical Diagnostic Laboratories, L.L.C.
Classification: Uncertain significance for Hereditary cancer-predisposing syndrome. Last evaluated: 2024-09-16. Review status: criteria provided, single submitter. Criteria: ACMG Guidelines, 2015. Collection method: clinical testing. Allele origin: germline.
Comment: The missense variant NM_001128425.2(MUTYH):c.56G>A (p.Arg19Gln) has not been reported previously as a pathogenic variant nor as a benign variant, to our knowledge. The p.Arg19Gln variant is observed in 6/113,764 (0.0053%) alleles from individuals of gnomAD Non Finnish European background in gnomAD. The p.Arg19Gln variant is novel (not in any individuals) in 1kG. The p.Arg19Gln variant is not predicted to introduce a novel splice site by any splice site algorithm. The p.Arg19Gln missense variant is predicted to be tolerated by both SIFT or PolyPhen2. The glutamine residue at codon 19 of MUTYH is present in Gorilla and 7 other mammalian species. The nucleotide c.56 in MUTYH is not conserved according to a GERP++ and PhyloP analysis of 100 vertebrates. For these reasons, this variant has been classified as Uncertain Significance.

NM_001048174.2(MUTYH):c.14G>A (p.Arg5Gln)

Gene: MUTYH (mutY DNA glycosylase; minus strand). Cytogenetic location: 1p34.1.
Variant type: single nucleotide variant.
Coding change: c.14G>A on transcript NM_001048174.2 (MANE Select); coding-DNA position 14, G replaced by A.
Protein change: p.Arg5Gln; replaces arginine 5 with glutamine.
Molecular consequence: missense variant. On other transcripts: 5 prime UTR variant (4), non-coding transcript variant (2).
Genome position (GRCh38, 1-based): chr1:45,334,492, C>T on the plus strand (G>A on the coding strand, the complement: MUTYH is on the minus strand). VCF-style: chr1-45334492-C-T. GRCh37 (hg19) VCF-style: chr1-45800164-C-T.
Other names: p.R19Q:CGA>CAA; c.14G>A, p.Arg5Gln (NM_001048171.2, NM_001048172.2, NM_001048173.2 and 2 more transcripts); c.56G>A, p.Arg19Gln (NM_001128425.2, NM_001293190.2, NM_012222.3); c.-199G>A (NM_001293192.2, NM_001293196.2); c.-258G>A (NM_001350650.2); c.-194G>A (NM_001350651.2); short protein forms R19Q, R5Q.
Identifiers: ClinVar variation 127834 (VCV000127834.38), dbSNP rs587780081, ClinGen allele CA011787.